The following is an entry in ClinVar:

ClinVar aggregate classification (germline): Benign/Likely benign. Review status: criteria provided, multiple submitters, no conflicts (2 of 4 stars). 4 submissions from 4 submitters: Benign (1); Likely benign (2). 1 of the submissions does not count toward it. Last evaluated 2026-01-28.

Conditions:
Mucopolysaccharidosis type 7 (MPS7). Also called: SLY SYNDROME; MPS VII; BETA-GLUCURONIDASE DEFICIENCY; GUSB DEFICIENCY. Identifiers: Orphanet 584, MedGen C0085132, MONDO:0009662, OMIM 253220.

Allele frequency attached by ClinVar (database versions not stated): 1000 Genomes Project 30x 0.00141; 1000 Genomes Project 0.00160; gnomAD exomes 0.00419 and 0.00745; ExAC 0.00425; TOPMed 0.00426; gnomAD 0.00451 and 0.00464; ESP Exome Variant Server 0.00600.
gnomAD v4.1: 11,440 of 1,614,182 alleles (0.71%); highest among the groups gnomAD compares: Non-Finnish European, 0.91%; 47 homozygotes.

Submissions (4):

Labcorp Genetics (formerly Invitae), Labcorp
Classification: Benign for Mucopolysaccharidosis type 7. Last evaluated: 2026-01-28. Review status: criteria provided, single submitter. Criteria: Invitae Variant Classification Sherloc (09022015). Collection method: clinical testing. Allele origin: germline.

Blueprint Genetics
Classification: Likely benign. Last evaluated: 2024-11-26. Review status: criteria provided, single submitter. Criteria: ACMG Guidelines, 2015. Collection method: clinical testing. Allele origin: germline.

Illumina Laboratory Services, Illumina
Classification: Likely benign for Mucopolysaccharidosis type 7. Last evaluated: 2018-01-13. Review status: criteria provided, single submitter. Criteria: ICSL Variant Classification Criteria 13 December 2019. Collection method: clinical testing. Allele origin: germline.
Comment: This variant was observed in the ICSL laboratory as part of a predisposition screen in an ostensibly healthy population. It had not been previously curated by ICSL or reported in the Human Gene Mutation Database (HGMD: prior to June 1st, 2018), and was therefore a candidate for classification through an automated scoring system. Utilizing variant allele frequency, disease prevalence and penetrance estimates, and inheritance mode, an automated score was calculated to assess if this variant is too frequent to cause the disease. Based on the score and internal cut-off values, a variant classified as likely benign is not then subjected to further curation. The score for this variant resulted in a classification of likely benign for this disease.

Mayo Clinic Laboratories, Mayo Clinic
Classification: Likely benign. Last evaluated: 2017-09-06. Review status: no assertion criteria provided. Collection method: clinical testing. Allele origin: unknown. Not counted in ClinVar's aggregate classification.

NM_000181.4(GUSB):c.1245-15C>T

Gene: GUSB (glucuronidase beta; minus strand). Cytogenetic location: 7q11.21.
Variant type: single nucleotide variant.
Coding change: c.1245-15C>T on transcript NM_000181.4 (MANE Select); 15 bases into the intron before coding-DNA position 1245, C replaced by T.
Molecular consequence: intron variant.
Genome position (GRCh38, 1-based): chr7:65,974,456, G>A on the plus strand (C>T on the coding strand, the complement: GUSB is on the minus strand). VCF-style: chr7-65974456-G-A. GRCh37 (hg19) VCF-style: chr7-65439443-G-A.
Other names: c.588-15C>T (NM_001293105.2); c.675-15C>T (NM_001293104.2); c.807-15C>T (NM_001284290.2).
Identifiers: ClinVar variation 558971 (VCV000558971.19), dbSNP rs62470935, ClinGen allele CA4276328.